The following is an entry in ClinVar:

ClinVar aggregate classification (germline): Pathogenic (1 of 4 stars; one submission).

Conditions:
Nephronophthisis. Also called: Juvenile Nephronophthisis. Identifiers: Orphanet 655, MedGen C0687120, MONDO:0019005, HP:0000090.

Submission:

Labcorp Genetics (formerly Invitae), Labcorp
Classification: Pathogenic for Nephronophthisis. Last evaluated: 2021-11-03. Review status: criteria provided, single submitter. Criteria: Invitae Variant Classification Sherloc (09022015). Collection method: clinical testing. Allele origin: germline.
Comment: This variant disrupts a region of the NPHP3 protein in which other variant(s) (p.Gly1275del) have been determined to be pathogenic (PMID: 10631142, 12872122). This suggests that this is a clinically significant region of the protein, and that variants that disrupt it are likely to be disease-causing. This variant has not been reported in the literature in individuals affected with NPHP3-related conditions. This variant is not present in population databases (gnomAD no frequency). This sequence change creates a premature translational stop signal (p.Thr1263Hisfs*2) in the NPHP3 gene. While this is not anticipated to result in nonsense mediated decay, it is expected to disrupt the last 68 amino acid(s) of the NPHP3 protein. For these reasons, this variant has been classified as Pathogenic.

Literature cited by the submitters: PubMed 10631142; PubMed 12872122.

NM_153240.5(NPHP3):c.3787del (p.Thr1263fs)

Genes: NPHP3 (nephrocystin 3; minus strand), NPHP3-ACAD11 (NPHP3-ACAD11 readthrough (NMD candidate); minus strand). Cytogenetic location: 3q22.1.
Variant type: Deletion.
Coding change: c.3787del on transcript NM_153240.5 (MANE Select); coding-DNA position 3787, one base deleted (A; older notation c.3787delA).
Protein change: p.Thr1263fs; shifts the reading frame from threonine 1263.
Molecular consequence: frameshift variant. On other transcripts: non-coding transcript variant (1).
Genome position (GRCh38, 1-based): chr3:132,682,728, T deleted on the plus strand (A on the coding strand, the reverse complement: NPHP3 is on the minus strand); the first of 3 consecutive T bases (chr3:132,682,728-132,682,730); deleting any one gives the same sequence. VCF-style (leftmost placement, unchanged base first): chr3-132682727-GT-G. GRCh37 (hg19) VCF-style: chr3-132401571-GT-G.
Other names: short protein forms T1263fs.
Identifiers: ClinVar variation 1452823 (VCV001452823.6), dbSNP rs2107961294, ClinGen allele CA2573136637.